The following is an entry in ClinVar:

ClinVar aggregate classification (germline): Likely benign. Review status: criteria provided, multiple submitters, no conflicts (2 of 4 stars). 2 submissions from 2 submitters: Likely benign (2). Last evaluated 2026-02-01.

Conditions:
Hereditary spastic paraplegia 48. Also called: Spastic paraplegia 48; SPASTIC PARAPLEGIA 48, AUTOSOMAL RECESSIVE. Identifiers: Orphanet 306511, MedGen C3150901, MONDO:0013342, OMIM 613647.

Allele frequency attached by ClinVar (database versions not stated): gnomAD 0.00004; gnomAD exomes 0.00004; ExAC 0.00007; 1000 Genomes Project 30x 0.00016; 1000 Genomes Project 0.00020.
gnomAD v4.1: 95 of 1,600,564 alleles (0.0059%); highest among the groups gnomAD compares: Middle Eastern, 0.017%; no homozygotes.

Submissions (2):

CeGaT Center for Human Genetics Tuebingen
Classification: Likely benign. Last evaluated: 2026-02-01. Review status: criteria provided, single submitter. Criteria: CeGaT Center For Human Genetics Tuebingen Variant Classification Criteria Version 2. Collection method: clinical testing. Allele origin: germline. Affected: yes. Observed: 1 variant allele.
Comment: AP5Z1: BP4, BP7

Labcorp Genetics (formerly Invitae), Labcorp
Classification: Likely benign for Hereditary spastic paraplegia 48. Last evaluated: 2025-11-03. Review status: criteria provided, single submitter. Criteria: Invitae Variant Classification Sherloc (09022015). Collection method: clinical testing. Allele origin: germline.

NM_014855.3(AP5Z1):c.2148C>A (p.Ile716=)

Gene: AP5Z1 (adaptor related protein complex 5 subunit zeta 1; plus strand). Cytogenetic location: 7p22.1.
Variant type: single nucleotide variant.
Coding change: c.2148C>A on transcript NM_014855.3 (MANE Select); coding-DNA position 2148, C replaced by A.
Protein change: p.Ile716=; no amino-acid change (isoleucine 716 retained).
Molecular consequence: synonymous variant. On other transcripts: non-coding transcript variant (1).
Genome position (GRCh38, 1-based): chr7:4,790,882, C>A. VCF-style: chr7-4790882-C-A. GRCh37 (hg19) VCF-style: chr7-4830513-C-A.
Other names: c.1680C>A, p.Ile560= (NM_001364858.1).
Identifiers: ClinVar variation 1103603 (VCV001103603.11), dbSNP rs578236834, ClinGen allele CA4138319.